The following is an entry in ClinVar:

ClinVar aggregate classification (germline): Uncertain significance (1 of 4 stars; one submission).

Conditions:
Neuropathy, hereditary motor and sensory, type 6B (HMSN6B). Also called: HMSN VIB; CHARCOT-MARIE-TOOTH DISEASE, TYPE 6B; Neuropathy, hereditary motor and sensory, type VIB; NEUROPATHY, HEREDITARY MOTOR AND SENSORY, TYPE VIB, WITH OPTIC ATROPHY. Identifiers: MedGen C4225302, MONDO:0014671, OMIM 616505.

gnomAD v4.1: 4 of 1,613,782 alleles (0.00025%); highest among the groups gnomAD compares: South Asian, 0.0033%; no homozygotes.

Submission:

Labcorp Genetics (formerly Invitae), Labcorp
Classification: Uncertain significance for Neuropathy, hereditary motor and sensory, type 6B. Last evaluated: 2019-02-26. Review status: criteria provided, single submitter. Criteria: Invitae Variant Classification Sherloc (09022015). Collection method: clinical testing. Allele origin: germline.
Comment: In summary, the available evidence is currently insufficient to determine the role of this variant in disease. Therefore, it has been classified as a Variant of Uncertain Significance. Algorithms developed to predict the effect of missense changes on protein structure and function (SIFT, PolyPhen-2, Align-GVGD) all suggest that this variant is likely to be tolerated, but these predictions have not been confirmed by published functional studies and their clinical significance is uncertain. This variant has not been reported in the literature in individuals with SLC25A46-related disease. This variant is not present in population databases (ExAC no frequency). This sequence change replaces tyrosine with cysteine at codon 357 of the SLC25A46 protein (p.Tyr357Cys). The tyrosine residue is moderately conserved and there is a large physicochemical difference between tyrosine and cysteine.

NM_138773.4(SLC25A46):c.1070A>G (p.Tyr357Cys)

Gene: SLC25A46 (solute carrier family 25 member 46; plus strand). Cytogenetic location: 5q22.1.
Variant type: single nucleotide variant.
Coding change: c.1070A>G on transcript NM_138773.4 (MANE Select); coding-DNA position 1070, A replaced by G.
Protein change: p.Tyr357Cys; replaces tyrosine 357 with cysteine.
Molecular consequence: missense variant. On other transcripts: non-coding transcript variant (1).
Genome position (GRCh38, 1-based): chr5:110,761,595, A>G. VCF-style: chr5-110761595-A-G. GRCh37 (hg19) VCF-style: chr5-110097295-A-G.
Other names: c.827A>G, p.Tyr276Cys (NM_001303249.3); c.797A>G, p.Tyr266Cys (NM_001303250.3); short protein forms Y357C, Y266C, Y276C.
Identifiers: ClinVar variation 577032 (VCV000577032.11), dbSNP rs1229680117, ClinGen allele CA360697075.
Genomic context (GRCh38, chr5:110,761,595, plus strand): 5'-TTTTGCACCGCCTTCACATTCAAGGAACACGCACAATAATTGACAATACAGACCTTGGCT[A>G]TGAAGTGCTTCCAATTAATACACAATATGAGGGAATGAGAGACTGTATCAATACCATAAG-3'
Protein context (NP_620128.1, residues 347-367): RTIIDNTDLG[Tyr357Cys]EVLPINTQYE